The following is an entry in ClinVar:

NM_015272.5(RPGRIP1L):c.2567T>A (p.Leu856His)

Gene: RPGRIP1L (RPGRIP1 like; minus strand). Cytogenetic location: 16q12.2.
Variant type: single nucleotide variant.
Coding change: c.2567T>A on transcript NM_015272.5 (MANE Select); coding-DNA position 2567, T replaced by A.
Protein change: p.Leu856His; replaces leucine 856 with histidine.
Molecular consequence: missense variant.
Genome position (GRCh38, 1-based): chr16:53,645,741, A>T on the plus strand (T>A on the coding strand, the complement: RPGRIP1L is on the minus strand). VCF-style: chr16-53645741-A-T. GRCh37 (hg19) VCF-style: chr16-53679653-A-T.
Other names: c.2567T>A, p.Leu856His (NM_001127897.4, NM_001308334.3, NM_001330538.2); short protein forms L856H.
Identifiers: ClinVar variation 4294076 (VCV004294076.1).

ClinVar aggregate classification (germline): Uncertain significance (1 of 4 stars; one submission).

Conditions:
Joubert syndrome 7 (JBTS7). Identifiers: Orphanet 220497, MedGen C1969053, MONDO:0012694, OMIM 611560.

Submission:

3billion
Classification: Uncertain significance for Joubert syndrome 7. Last evaluated: 2025-01-21. Review status: criteria provided, single submitter. Criteria: ACMG Guidelines, 2015. Collection method: clinical testing. Allele origin: germline. Affected: yes.
Comment: The variant is not observed in the gnomAD v4.1.0 dataset. Predicted Consequence/Location: Missense variant. The majority of the known disease-causing variants of this gene are variants expected to result in premature termination of the protein. In silico tool predictions suggest damaging effect of the variant on gene or gene product [REVEL: 0.97 (>=0.6, sensitivity 0.68 and specificity 0.92)]. Different missense changes at the same codon have been reported as of uncertain significance (ClinVar ID: VCV002280394). Therefore, this variant is classified as VUS according to the recommendation of ACMG/AMP guideline.